The following is an entry in ClinVar:

NM_000376.3(VDR):c.310C>T (p.Arg104Trp)

Gene: VDR (vitamin D receptor; minus strand). Cytogenetic location: 12q13.11.
Variant type: single nucleotide variant.
Coding change: c.310C>T on transcript NM_000376.3 (MANE Select); coding-DNA position 310, C replaced by T.
Protein change: p.Arg104Trp; replaces arginine 104 with tryptophan.
Molecular consequence: missense variant.
Genome position (GRCh38, 1-based): chr12:47,857,656, G>A on the plus strand (C>T on the coding strand, the complement: VDR is on the minus strand). VCF-style: chr12-47857656-G-A. GRCh37 (hg19) VCF-style: chr12-48251439-G-A.
Other names: c.310C>T, p.Arg104Trp (NM_001017535.2, NM_001364085.2, NM_001374661.1 and 1 more transcripts); c.460C>T, p.Arg154Trp (NM_001017536.2); short protein forms R104W, R154W.
Identifiers: ClinVar variation 2154778 (VCV002154778.1), dbSNP rs199705103, ClinGen allele CA6533969.

ClinVar aggregate classification (germline): Uncertain significance (1 of 4 stars; one submission).

Allele frequency attached by ClinVar (database versions not stated): gnomAD 0.00001; ExAC 0.00002; gnomAD exomes 0.00002; TOPMed 0.00002.
gnomAD v4.1: 26 of 1,613,998 alleles (0.0016%); highest among the groups gnomAD compares: South Asian, 0.0022%; no homozygotes.

Submission:

Labcorp Genetics (formerly Invitae), Labcorp
Classification: Uncertain significance. Last evaluated: 2022-08-05. Review status: criteria provided, single submitter. Criteria: Invitae Variant Classification Sherloc (09022015). Collection method: clinical testing. Allele origin: germline.
Comment: This sequence change replaces arginine, which is basic and polar, with tryptophan, which is neutral and slightly polar, at codon 104 of the VDR protein (p.Arg104Trp). This variant is present in population databases (rs199705103, gnomAD 0.004%). This variant has not been reported in the literature in individuals affected with VDR-related conditions. Algorithms developed to predict the effect of missense changes on protein structure and function are either unavailable or do not agree on the potential impact of this missense change (SIFT: "Deleterious"; PolyPhen-2: "Probably Damaging"; Align-GVGD: "Class C0"). In summary, the available evidence is currently insufficient to determine the role of this variant in disease. Therefore, it has been classified as a Variant of Uncertain Significance.